The following is an entry in ClinVar:

ClinVar aggregate classification (germline): Uncertain significance (1 of 4 stars; one submission).

Conditions:
Intellectual disability-strabismus syndrome (NEDBGF). Also called: NEURODEVELOPMENTAL DISORDER WITH BRAIN ABNORMALITIES, POOR GROWTH, AND DYSMORPHIC FACIES. Identifiers: Orphanet 363528, MedGen C4750838, MONDO:0014119, OMIM 615286.

gnomAD v4.1: 1 of 1,610,146 alleles (0.000062%); highest among the groups gnomAD compares: Non-Finnish European, 0.000085%; no homozygotes.

Submission:

MGZ Medical Genetics Center
Classification: Uncertain significance for Intellectual disability-strabismus syndrome. Last evaluated: 2022-08-02. Review status: criteria provided, single submitter. Criteria: ACMG Guidelines, 2015. Collection method: clinical testing. Allele origin: germline. Affected: yes. Observed: 1 variant allele.
Comment: ACMG criteria applied: PM2_SUP, PM3_SUP, PP3

NM_138422.4(ADAT3):c.877T>A (p.Tyr293Asn)

Genes: ADAT3 (adenosine deaminase tRNA specific 3; plus strand), SCAMP4 (secretory carrier membrane protein 4; plus strand). Cytogenetic location: 19p13.3.
Variant type: single nucleotide variant.
Coding change: c.877T>A on transcript NM_138422.4 (MANE Select); coding-DNA position 877, T replaced by A.
Protein change: p.Tyr293Asn; replaces tyrosine 293 with asparagine.
Molecular consequence: missense variant. On other transcripts: intron variant (3).
Genome position (GRCh38, 1-based): chr19:1,912,924, T>A. VCF-style: chr19-1912924-T-A. GRCh37 (hg19) VCF-style: chr19-1912923-T-A.
Other names: c.829T>A, p.Tyr277Asn (NM_001329533.2); c.-41-2055T>A (NM_079834.4, NM_001329540.2); c.-125-4770T>A (NM_001329539.2); short protein forms Y277N, Y293N.
Identifiers: ClinVar variation 1709672 (VCV001709672.2), dbSNP rs2013561587, ClinGen allele CA403172845.